The following is an entry in ClinVar:

NM_000540.3(RYR1):c.13448T>G (p.Val4483Gly)

Gene: RYR1 (ryanodine receptor 1; plus strand). Cytogenetic location: 19q13.2.
Variant type: single nucleotide variant.
Coding change: c.13448T>G on transcript NM_000540.3 (MANE Select); coding-DNA position 13448, T replaced by G.
Protein change: p.Val4483Gly; replaces valine 4483 with glycine.
Molecular consequence: missense variant.
Genome position (GRCh38, 1-based): chr19:38,566,921, T>G. VCF-style: chr19-38566921-T-G. GRCh37 (hg19) VCF-style: chr19-39057561-T-G.
Other names: c.13433T>G, p.Val4478Gly (NM_001042723.2); short protein forms V4483G, V4478G.
Identifiers: ClinVar variation 569228 (VCV000569228.10), dbSNP rs931169553, ClinGen allele CA308110509.

ClinVar aggregate classification (germline): Uncertain significance. Review status: criteria provided, multiple submitters, no conflicts (2 of 4 stars). 3 submissions from 3 submitters: Uncertain significance (2). 1 of the submissions does not count toward it. Last evaluated 2024-11-19.

Conditions:
RYR1-related disorder. Also called: RYR1-related disorders; RYR1-related condition. Identifiers: MedGen CN239331.

Allele frequency attached by ClinVar (database versions not stated): gnomAD exomes below 0.00001 and 0.00001; TOPMed 0.00002; gnomAD 0.00003.

Submissions (3):

Labcorp Genetics (formerly Invitae), Labcorp
Classification: Uncertain significance for RYR1-related disorder. Last evaluated: 2024-11-19. Review status: criteria provided, single submitter. Criteria: Invitae Variant Classification Sherloc (09022015). Collection method: clinical testing. Allele origin: germline.
Comment: This sequence change replaces valine, which is neutral and non-polar, with glycine, which is neutral and non-polar, at codon 4483 of the RYR1 protein (p.Val4483Gly). This variant is present in population databases (no rsID available, gnomAD 0.002%). This variant has not been reported in the literature in individuals affected with RYR1-related conditions. ClinVar contains an entry for this variant (Variation ID: 569228). Invitae Evidence Modeling of protein sequence and biophysical properties (such as structural, functional, and spatial information, amino acid conservation, physicochemical variation, residue mobility, and thermodynamic stability) indicates that this missense variant is not expected to disrupt RYR1 protein function with a negative predictive value of 80%. In summary, the available evidence is currently insufficient to determine the role of this variant in disease. Therefore, it has been classified as a Variant of Uncertain Significance.

Revvity Omics, Revvity
Classification: Uncertain significance. Last evaluated: 2020-10-02. Review status: criteria provided, single submitter. Criteria: ACMG Guidelines, 2015. Collection method: clinical testing. Allele origin: germline.

PreventionGenetics, part of Exact Sciences
Classification: Uncertain significance for RYR1-related condition. Last evaluated: 2024-08-05. Review status: no assertion criteria provided. Collection method: clinical testing. Allele origin: germline. Not counted in ClinVar's aggregate classification.
Comment: The RYR1 c.13448T>G variant is predicted to result in the amino acid substitution p.Val4483Gly. To our knowledge, this variant has not been reported in the literature. This variant is reported in 0.0017% of alleles in individuals of European (Non-Finnish) descent in gnomAD. At this time, the clinical significance of this variant is uncertain due to the absence of conclusive functional and genetic evidence.